The following is an entry in ClinVar:

ClinVar aggregate classification (germline): Likely benign (1 of 4 stars; one submission).

Allele frequency attached by ClinVar (database versions not stated): gnomAD exomes 0.00004; ExAC 0.00067.

Submission:

CeGaT Center for Human Genetics Tuebingen
Classification: Likely benign. Last evaluated: 2024-05-01. Review status: criteria provided, single submitter. Criteria: CeGaT Center For Human Genetics Tuebingen Variant Classification Criteria Version 2. Collection method: clinical testing. Allele origin: germline. Affected: yes. Observed: 1 variant allele.
Comment: AHNAK2: BP4, BP7

NM_138420.4(AHNAK2):c.9936A>G (p.Lys3312=)

Gene: AHNAK2 (AHNAK nucleoprotein 2; minus strand). Cytogenetic location: 14q32.33.
Variant type: single nucleotide variant.
Coding change: c.9936A>G on transcript NM_138420.4 (MANE Select); coding-DNA position 9936, A replaced by G.
Protein change: p.Lys3312=; no amino-acid change (lysine 3312 retained).
Molecular consequence: synonymous variant.
Genome position (GRCh38, 1-based): chr14:104,945,515, T>C on the plus strand (A>G on the coding strand, the complement: AHNAK2 is on the minus strand). VCF-style: chr14-104945515-T-C. GRCh37 (hg19) VCF-style: chr14-105411852-T-C.
Other names: c.9636A>G, p.Lys3212= (NM_001350929.2).
Identifiers: ClinVar variation 3239013 (VCV003239013.19), dbSNP rs752968061.